The following is an entry in ClinVar:

NM_000540.3(RYR1):c.4111A>T (p.Arg1371Trp)

Gene: RYR1 (ryanodine receptor 1; plus strand). Cytogenetic location: 19q13.2.
Variant type: single nucleotide variant.
Coding change: c.4111A>T on transcript NM_000540.3 (MANE Select); coding-DNA position 4111, A replaced by T.
Protein change: p.Arg1371Trp; replaces arginine 1371 with tryptophan.
Molecular consequence: missense variant.
Genome position (GRCh38, 1-based): chr19:38,473,722, A>T. VCF-style: chr19-38473722-A-T. GRCh37 (hg19) VCF-style: chr19-38964362-A-T.
Other names: c.4111A>T, p.Arg1371Trp (NM_001042723.2); short protein forms R1371W.
Identifiers: ClinVar variation 2107007 (VCV002107007.5), dbSNP rs1310955101, ClinGen allele CA405643127.

ClinVar aggregate classification (germline): Uncertain significance. Review status: criteria provided, multiple submitters, no conflicts (2 of 4 stars). 2 submissions from 2 submitters: Uncertain significance (2). Last evaluated 2025-02-05.

Conditions:
RYR1-related disorder. Also called: RYR1-related condition; RYR1-related disorders. Identifiers: MedGen CN239331.

Allele frequency attached by ClinVar (database versions not stated): gnomAD exomes 0.00001.
gnomAD v4.1: 4 of 1,546,370 alleles (0.00026%); highest among the groups gnomAD compares: Admixed American, 0.008%; no homozygotes.

Submissions (2):

Women's Health and Genetics/Laboratory Corporation of America, LabCorp
Classification: Uncertain significance. Last evaluated: 2025-02-05. Review status: criteria provided, single submitter. Criteria: LabCorp Variant Classification Summary - May 2015. Collection method: clinical testing. Allele origin: germline.
Comment: Variant summary: RYR1 c.4111A>T (p.Arg1371Trp) results in a non-conservative amino acid change located in the B30.2/SPRY domain profile (IPR001870) of the encoded protein sequence. Four of five in-silico tools predict a damaging effect of the variant on protein function. The variant allele was found at a frequency of 2.1e-05 in 140484 control chromosomes. The available data on variant occurrences in the general population are insufficient to allow any conclusion about variant significance. To our knowledge, no occurrence of c.4111A>T in individuals affected with Congenital multicore myopathy with external ophthalmoplegia and no experimental evidence demonstrating its impact on protein function have been reported. ClinVar contains an entry for this variant (Variation ID: 2107007). Based on the evidence outlined above, the variant was classified as uncertain significance.

Labcorp Genetics (formerly Invitae), Labcorp
Classification: Uncertain significance for RYR1-related disorder. Last evaluated: 2022-08-13. Review status: criteria provided, single submitter. Criteria: Invitae Variant Classification Sherloc (09022015). Collection method: clinical testing. Allele origin: germline.
Comment: In summary, the available evidence is currently insufficient to determine the role of this variant in disease. Therefore, it has been classified as a Variant of Uncertain Significance. Advanced modeling of protein sequence and biophysical properties (such as structural, functional, and spatial information, amino acid conservation, physicochemical variation, residue mobility, and thermodynamic stability) performed at Invitae indicates that this missense variant is not expected to disrupt RYR1 protein function. This variant has not been reported in the literature in individuals affected with RYR1-related conditions. This variant is present in population databases (no rsID available, gnomAD 0.02%). This sequence change replaces arginine, which is basic and polar, with tryptophan, which is neutral and slightly polar, at codon 1371 of the RYR1 protein (p.Arg1371Trp).